The following is an entry in ClinVar:

NM_001728.4(BSG):c.46A>G (p.Thr16Ala)

Gene: BSG (basigin (Ok blood group); plus strand). Cytogenetic location: 19p13.3.
Variant type: single nucleotide variant.
Coding change: c.46A>G on transcript NM_001728.4 (MANE Select); coding-DNA position 46, A replaced by G.
Protein change: p.Thr16Ala; replaces threonine 16 with alanine.
Molecular consequence: missense variant. On other transcripts: intron variant (2).
Genome position (GRCh38, 1-based): chr19:572,680, A>G. VCF-style: chr19-572680-A-G. GRCh37 (hg19) VCF-style: chr19-572680-A-G.
Other names: c.46A>G, p.Thr16Ala (NM_001322243.2, NM_198589.3); c.-213+1101A>G (NM_198590.3); c.-56+1101A>G (NM_198591.4); short protein forms T16A.
Identifiers: ClinVar variation 4991763 (VCV004991763.1).

ClinVar aggregate classification (germline): Benign (1 of 4 stars; one submission).

Conditions:
BSG-related disorder. Also called: BSG-related condition.

gnomAD v4.1: 28,745 of 1,496,322 alleles (1.9%); highest among the groups gnomAD compares: Non-Finnish European, 2.4%; 345 homozygotes.

Submission:

PreventionGenetics, part of Exact Sciences
Classification: Benign for BSG-related condition. Last evaluated: 2025-07-29. Review status: criteria provided, single submitter. Criteria: ACMG Guidelines, 2015. Collection method: clinical testing. Allele origin: germline.
Comment: This variant is classified as benign based on ACMG/AMP sequence variant interpretation guidelines (Richards et al. 2015 PMID: 25741868, with internal and published modifications).